The following is an entry in ClinVar:

ClinVar aggregate classification (germline): Likely benign (1 of 4 stars; one submission).

Submission:

GeneDx
Classification: Likely benign. Last evaluated: 2016-02-11. Review status: criteria provided, single submitter. Criteria: GeneDx Variant Classification (06012015). Collection method: clinical testing. Allele origin: germline. Affected: yes.
Comment: This variant is considered likely benign or benign based on one or more of the following criteria: it is a conservative change, it occurs at a poorly conserved position in the protein, it is predicted to be benign by multiple in silico algorithms, and/or has population frequency not consistent with disease.

NM_000393.5(COL5A2):c.1977+12T>C

Gene: COL5A2 (collagen type V alpha 2 chain; minus strand). Cytogenetic location: 2q32.2.
Variant type: single nucleotide variant.
Coding change: c.1977+12T>C on transcript NM_000393.5 (MANE Select); 12 bases into the intron after coding-DNA position 1977, T replaced by C.
Molecular consequence: intron variant.
Genome position (GRCh38, 1-based): chr2:189,062,853, A>G on the plus strand (T>C on the coding strand, the complement: COL5A2 is on the minus strand). VCF-style: chr2-189062853-A-G. GRCh37 (hg19) VCF-style: chr2-189927579-A-G.
Identifiers: ClinVar variation 379107 (VCV000379107.1), dbSNP rs202204374, ClinGen allele CA16604079.